The following is an entry in ClinVar:

NM_000057.4(BLM):c.3271C>T (p.His1091Tyr)

Gene: BLM (BLM RecQ like helicase; plus strand). Cytogenetic location: 15q26.1.
Variant type: single nucleotide variant.
Coding change: c.3271C>T on transcript NM_000057.4 (MANE Select); coding-DNA position 3271, C replaced by T.
Protein change: p.His1091Tyr; replaces histidine 1091 with tyrosine.
Molecular consequence: missense variant.
Genome position (GRCh38, 1-based): chr15:90,798,250, C>T. VCF-style: chr15-90798250-C-T. GRCh37 (hg19) VCF-style: chr15-91341480-C-T.
Other names: c.2146C>T, p.His716Tyr (NM_001287248.2); c.3271C>T, p.His1091Tyr (NM_001287246.2, NM_001287247.2); short protein forms H716Y, H1091Y.
Identifiers: ClinVar variation 846854 (VCV000846854.11), dbSNP rs766959096, ClinGen allele CA7738978.

ClinVar aggregate classification (germline): Uncertain significance. Review status: criteria provided, multiple submitters, no conflicts (2 of 4 stars). 3 submissions from 3 submitters: Uncertain significance (3). Last evaluated 2025-06-24.

Conditions:
Bloom syndrome (BLM). Also called: Bloom-Torre-Machacek syndrome. Identifiers: Orphanet 125, MedGen C0005859, MONDO:0008876, OMIM 210900.
Hereditary cancer-predisposing syndrome. Also called: Hereditary Cancer Syndrome; Neoplastic Syndromes, Hereditary; Hereditary neoplastic syndrome; Tumor predisposition. Identifiers: Orphanet 140162, MedGen C0027672, MeSH D009386, MONDO:0015356.

Allele frequency attached by ClinVar (database versions not stated): ExAC 0.00001; gnomAD exomes 0.00001.
gnomAD v4.1: 13 of 1,611,400 alleles (0.00081%); highest among the groups gnomAD compares: Non-Finnish European, 0.0011%; no homozygotes.

Submissions (3):

Ambry Genetics
Classification: Uncertain significance for Hereditary cancer-predisposing syndrome. Last evaluated: 2025-06-24. Review status: criteria provided, single submitter. Criteria: Ambry Variant Classification Scheme 2023. Collection method: clinical testing. Allele origin: germline.
Comment: The p.H1091Y variant (also known as c.3271C>T), located in coding exon 16 of the BLM gene, results from a C to T substitution at nucleotide position 3271. The histidine at codon 1091 is replaced by tyrosine, an amino acid with similar properties. This amino acid position is not well conserved in available vertebrate species. In addition, this alteration is predicted to be tolerated by in silico analysis. Since supporting evidence is limited at this time, the clinical significance of this alteration remains unclear.

Labcorp Genetics (formerly Invitae), Labcorp
Classification: Uncertain significance for Bloom syndrome. Last evaluated: 2025-05-14. Review status: criteria provided, single submitter. Criteria: Invitae Variant Classification Sherloc (09022015). Collection method: clinical testing. Allele origin: germline.
Comment: This sequence change replaces histidine, which is basic and polar, with tyrosine, which is neutral and polar, at codon 1091 of the BLM protein (p.His1091Tyr). This variant is present in population databases (rs766959096, gnomAD 0.002%). This variant has not been reported in the literature in individuals affected with BLM-related conditions. ClinVar contains an entry for this variant (Variation ID: 846854). Invitae Evidence Modeling of protein sequence and biophysical properties (such as structural, functional, and spatial information, amino acid conservation, physicochemical variation, residue mobility, and thermodynamic stability) indicates that this missense variant is not expected to disrupt BLM protein function with a negative predictive value of 80%. In summary, the available evidence is currently insufficient to determine the role of this variant in disease. Therefore, it has been classified as a Variant of Uncertain Significance.

Blueprint Genetics
Classification: Uncertain significance. Last evaluated: 2021-09-14. Review status: criteria provided, single submitter. Criteria: ACMG Guidelines, 2015. Collection method: clinical testing. Allele origin: germline.